The following is an entry in ClinVar:

ClinVar aggregate classification (germline): Uncertain significance (1 of 4 stars; one submission).

Conditions:
Hereditary cancer-predisposing syndrome. Also called: Tumor predisposition; Hereditary neoplastic syndrome; Neoplastic Syndromes, Hereditary; Hereditary Cancer Syndrome. Identifiers: Orphanet 140162, MedGen C0027672, MeSH D009386, MONDO:0015356.

Submission:

Ambry Genetics
Classification: Uncertain significance for Hereditary cancer-predisposing syndrome. Last evaluated: 2019-08-01. Review status: criteria provided, single submitter. Criteria: Ambry Variant Classification Scheme 2023. Collection method: clinical testing. Allele origin: germline.
Comment: The p.G507V variant (also known as c.1520G>T), located in coding exon 9 of the MEN1 gene, results from a G to T substitution at nucleotide position 1520. The glycine at codon 507 is replaced by valine, an amino acid with dissimilar properties. This amino acid position is poorly conserved in available vertebrate species. In addition, the in silico prediction for this alteration is inconclusive. Since supporting evidence is limited at this time, the clinical significance of this alteration remains unclear.

NM_001370259.2(MEN1):c.1520G>T (p.Gly507Val)

Gene: MEN1 (menin 1; minus strand). Cytogenetic location: 11q13.1.
Variant type: single nucleotide variant.
Coding change: c.1520G>T on transcript NM_001370259.2 (MANE Select); coding-DNA position 1520, G replaced by T.
Protein change: p.Gly507Val; replaces glycine 507 with valine.
Molecular consequence: missense variant.
Genome position (GRCh38, 1-based): chr11:64,804,647, C>A on the plus strand (G>T on the coding strand, the complement: MEN1 is on the minus strand). VCF-style: chr11-64804647-C-A. GRCh37 (hg19) VCF-style: chr11-64572119-C-A.
Other names: c.1535G>T, p.Gly512Val (NM_000244.4, NM_130800.3, NM_130801.3 and 3 more transcripts); c.1646G>T, p.Gly549Val (NM_001370251.2); c.1520G>T, p.Gly507Val (NM_001370260.2, NM_001370261.2, NM_130799.3); c.1415G>T, p.Gly472Val (NM_001370262.2, NM_001370263.2); short protein forms G549V, G512V, G472V, G507V.
Identifiers: ClinVar variation 819424 (VCV000819424.5), dbSNP rs1418227122, ClinGen allele CA381178705.